The following is an entry in ClinVar:

NM_000081.4(LYST):c.9223G>A (p.Val3075Ile)

Gene: LYST (lysosomal trafficking regulator; minus strand). Cytogenetic location: 1q42.3.
Variant type: single nucleotide variant.
Coding change: c.9223G>A on transcript NM_000081.4 (MANE Select); coding-DNA position 9223, G replaced by A.
Protein change: p.Val3075Ile; replaces valine 3075 with isoleucine.
Molecular consequence: missense variant.
Genome position (GRCh38, 1-based): chr1:235,724,120, C>T on the plus strand (G>A on the coding strand, the complement: LYST is on the minus strand). VCF-style: chr1-235724120-C-T. GRCh37 (hg19) VCF-style: chr1-235887420-C-T.
Other names: c.9223G>A, p.Val3075Ile (NM_001301365.1); c.9223G>A (NM_000081.2); short protein forms V3075I.
Identifiers: ClinVar variation 1694329 (VCV001694329.7), dbSNP rs764879928, ClinGen allele CA1465634.
Genomic context (GRCh38, chr1:235,724,120, plus strand): 5'-TGCCATTTGTTAGAAAGATTTCTACAGCATTATCTCTCAATTGCCACCAACGCTTGTGAA[C>T]TTCTTTAATTTCTTCATATGTCCAGGAAAATGATGCTGGTTCCAACTCTCCCTGAAGGCT-3'
Protein context (NP_000072.2, residues 3065-3085): FSWTYEEIKE[Val3075Ile]HKRWWQLRDN

ClinVar aggregate classification (germline): Uncertain significance. Review status: criteria provided, multiple submitters, no conflicts (2 of 4 stars). 3 submissions from 3 submitters: Uncertain significance (3). Last evaluated 2023-01-23.

Conditions:
Autoinflammatory syndrome. Identifiers: Orphanet 93665, MedGen C3890737, MONDO:0019751.
Chédiak-Higashi syndrome (CHS). Also called: Chediak-Higashi Syndrome. Identifiers: Orphanet 167, MedGen C0007965, MONDO:0008963, OMIM 214500.
Inborn genetic diseases. Identifiers: MedGen C0950123, MeSH D030342.

Allele frequency attached by ClinVar (database versions not stated): ExAC 0.00001; gnomAD 0.00001; gnomAD exomes 0.00001; TOPMed 0.00001.
gnomAD v4.1: 18 of 1,613,590 alleles (0.0011%); highest among the groups gnomAD compares: Non-Finnish European, 0.0015%; no homozygotes.

Submissions (3):

Ambry Genetics
Classification: Uncertain significance for Inborn genetic diseases. Last evaluated: 2023-01-23. Review status: criteria provided, single submitter. Criteria: Ambry Variant Classification Scheme 2023. Collection method: clinical testing. Allele origin: germline.

Labcorp Genetics (formerly Invitae), Labcorp
Classification: Uncertain significance for Chédiak-Higashi syndrome. Last evaluated: 2022-02-28. Review status: criteria provided, single submitter. Criteria: Invitae Variant Classification Sherloc (09022015). Collection method: clinical testing. Allele origin: germline.
Comment: This sequence change replaces valine, which is neutral and non-polar, with isoleucine, which is neutral and non-polar, at codon 3075 of the LYST protein (p.Val3075Ile). This variant is present in population databases (rs764879928, gnomAD 0.002%). This variant has not been reported in the literature in individuals affected with LYST-related conditions. Algorithms developed to predict the effect of missense changes on protein structure and function are either unavailable or do not agree on the potential impact of this missense change (SIFT: "Tolerated"; PolyPhen-2: "Probably Damaging"; Align-GVGD: "Class C0"). In summary, the available evidence is currently insufficient to determine the role of this variant in disease. Therefore, it has been classified as a Variant of Uncertain Significance.

Genome Diagnostics Laboratory, The Hospital for Sick Children
Classification: Uncertain significance for Autoinflammatory syndrome. Last evaluated: 2018-02-01. Review status: criteria provided, single submitter. Criteria: ACMG Guidelines, 2015. Collection method: clinical testing. Allele origin: germline. Affected: yes.